The following is an entry in ClinVar:

NM_001003694.2(BRPF1):c.2894A>G (p.Asp965Gly)

Gene: BRPF1 (bromodomain and PHD finger containing 1; plus strand). Cytogenetic location: 3p25.3.
Variant type: single nucleotide variant.
Coding change: c.2894A>G on transcript NM_001003694.2 (MANE Select); coding-DNA position 2894, A replaced by G.
Protein change: p.Asp965Gly; replaces aspartic acid 965 with glycine.
Molecular consequence: missense variant. On other transcripts: non-coding transcript variant (1), intron variant (4).
Genome position (GRCh38, 1-based): chr3:9,744,482, A>G. VCF-style: chr3-9744482-A-G. GRCh37 (hg19) VCF-style: chr3-9786166-A-G.
Other names: c.2873A>G, p.Asp958Gly (NM_001319050.2, NM_001438342.1, NM_001438343.1); c.2891A>G, p.Asp964Gly (NM_001410704.1); c.2876A>G, p.Asp959Gly (NM_001437892.1, NM_004634.3); c.2636-526A>G (NM_001438344.1); c.2633-526A>G (NM_001438345.1); c.2618-526A>G (NM_001319049.2); c.2615-526A>G (NM_001438346.1); short protein forms D958G, D965G, D959G, D964G.
Identifiers: ClinVar variation 5000696 (VCV005000696.1).

ClinVar aggregate classification (germline): Uncertain significance (1 of 4 stars; one submission).

Conditions:
BRPF1-related disorder. Also called: BRPF1-related condition.

gnomAD v4.1: 2 of 1,562,694 alleles (0.00013%); highest among the groups gnomAD compares: Non-Finnish European, 0.000087%; no homozygotes.

Submission:

PreventionGenetics, part of Exact Sciences
Classification: Uncertain significance for BRPF1-related condition. Last evaluated: 2024-11-13. Review status: criteria provided, single submitter. Criteria: ACMG Guidelines, 2015. Collection method: clinical testing. Allele origin: germline.
Comment: The BRPF1 c.2894A>G variant is predicted to result in the amino acid substitution p.Asp965Gly. To our knowledge, this variant has not been reported in the literature. This variant is reported in 0.0061% of alleles in individuals of East Asian descent in gnomAD. At this time, the clinical significance of this variant is uncertain due to the absence of conclusive functional and genetic evidence.